The following is an entry in ClinVar:

ClinVar aggregate classification (germline): Uncertain significance (1 of 4 stars; one submission).

Conditions:
Duchenne muscular dystrophy (DMD). Also called: Duchenne Muscular Dystrophy (DMD); MUSCULAR DYSTROPHY, PSEUDOHYPERTROPHIC PROGRESSIVE, DUCHENNE TYPE. Identifiers: Orphanet 98896, MedGen C0013264, MONDO:0010679, OMIM 310200.

gnomAD v4.1: 4 of 1,211,688 alleles (0.00033%); highest among the groups gnomAD compares: Non-Finnish European, 0.00045%; no homozygotes.

Submission:

Labcorp Genetics (formerly Invitae), Labcorp
Classification: Uncertain significance for Duchenne muscular dystrophy. Last evaluated: 2025-09-27. Review status: criteria provided, single submitter. Criteria: Invitae Variant Classification Sherloc (09022015). Collection method: clinical testing. Allele origin: germline.
Comment: This sequence change replaces serine, which is neutral and polar, with isoleucine, which is neutral and non-polar, at codon 868 of the DMD protein (p.Ser868Ile). This variant is not present in population databases (gnomAD no frequency). This variant has not been reported in the literature in individuals affected with DMD-related conditions. Invitae Evidence Modeling of protein sequence and biophysical properties (such as structural, functional, and spatial information, amino acid conservation, physicochemical variation, residue mobility, and thermodynamic stability) indicates that this missense variant is not expected to disrupt DMD protein function with a negative predictive value of 95%. In summary, the available evidence is currently insufficient to determine the role of this variant in disease. Therefore, it has been classified as a Variant of Uncertain Significance.

NM_004006.3(DMD):c.2603G>T (p.Ser868Ile)

Gene: DMD (dystrophin; minus strand). Cytogenetic location: Xp21.1.
Variant type: single nucleotide variant.
Coding change: c.2603G>T on transcript NM_004006.3 (MANE Select); coding-DNA position 2603, G replaced by T.
Protein change: p.Ser868Ile; replaces serine 868 with isoleucine.
Molecular consequence: missense variant.
Genome position (GRCh38, 1-based): chrX:32,491,296, C>A on the plus strand (G>T on the coding strand, the complement: DMD is on the minus strand). VCF-style: chrX-32491296-C-A. GRCh37 (hg19) VCF-style: chrX-32509413-C-A.
Other names: c.2579G>T, p.Ser860Ile (NM_000109.4); c.2591G>T, p.Ser864Ile (NM_004009.3); c.2234G>T, p.Ser745Ile (NM_004010.3); short protein forms S745I, S860I, S864I, S868I.
Identifiers: ClinVar variation 4800976 (VCV004800976.1).